The following is an entry in ClinVar:

NM_001042492.3(NF1):c.7987T>C (p.Ser2663Pro)

Gene: NF1 (neurofibromin 1; plus strand). Cytogenetic location: 17q11.2.
Variant type: single nucleotide variant.
Coding change: c.7987T>C on transcript NM_001042492.3 (MANE Select); coding-DNA position 7987, T replaced by C.
Protein change: p.Ser2663Pro; replaces serine 2663 with proline.
Molecular consequence: missense variant.
Genome position (GRCh38, 1-based): chr17:31,358,496, T>C. VCF-style: chr17-31358496-T-C. GRCh37 (hg19) VCF-style: chr17-29685514-T-C.
Other names: c.7924T>C, p.Ser2642Pro (NM_000267.4); short protein forms S2642P, S2663P.
Identifiers: ClinVar variation 4119196 (VCV004119196.1).

ClinVar aggregate classification (germline): Uncertain significance (1 of 4 stars; one submission).

Conditions:
Cardiovascular phenotype. Identifiers: MedGen CN230736.
Hereditary cancer-predisposing syndrome. Also called: Hereditary neoplastic syndrome; Neoplastic Syndromes, Hereditary; Tumor predisposition; Hereditary Cancer Syndrome. Identifiers: Orphanet 140162, MedGen C0027672, MeSH D009386, MONDO:0015356.

gnomAD v4.1: 1 of 1,613,914 alleles (0.000062%); highest among the groups gnomAD compares: South Asian, 0.0011%; no homozygotes.

Submission:

Ambry Genetics
Classification: Uncertain significance for Cardiovascular phenotype; Hereditary cancer-predisposing syndrome. Last evaluated: 2025-09-14. Review status: criteria provided, single submitter. Criteria: Ambry Variant Classification Scheme 2023. Collection method: clinical testing. Allele origin: germline.
Comment: The p.S2642P variant (also known as c.7924T>C), located in coding exon 54 of the NF1 gene, results from a T to C substitution at nucleotide position 7924. The serine at codon 2642 is replaced by proline, an amino acid with similar properties. This amino acid position is conserved. In addition, this alteration is predicted to be deleterious by in silico analysis. Based on the available evidence, the clinical significance of this variant remains unclear.